The following is an entry in ClinVar:

ClinVar aggregate classification (germline): Uncertain significance. Review status: criteria provided, multiple submitters, no conflicts (2 of 4 stars). 3 submissions from 3 submitters: Uncertain significance (3). Last evaluated 2023-12-19.

Conditions:
Charcot-Marie-Tooth disease type 2. Also called: Charcot-Marie-Tooth type 2. Identifiers: Orphanet 64746, MedGen C0270914, MONDO:0018993.

gnomAD v4.1: 9 of 1,613,044 alleles (0.00056%); highest among the groups gnomAD compares: Admixed American, 0.0017%; no homozygotes.

Submissions (3):

Ambry Genetics
Classification: Uncertain significance. Last evaluated: 2023-12-19. Review status: criteria provided, single submitter. Criteria: Ambry Variant Classification Scheme 2023. Collection method: clinical testing. Allele origin: germline.

CeGaT Center for Human Genetics Tuebingen
Classification: Uncertain significance. Last evaluated: 2023-10-01. Review status: criteria provided, single submitter. Criteria: CeGaT Center For Human Genetics Tuebingen Variant Classification Criteria Version 2. Collection method: clinical testing. Allele origin: germline. Affected: yes. Observed: 1 variant allele.
Comment: KIF1B: PM2, PP3

Labcorp Genetics (formerly Invitae), Labcorp
Classification: Uncertain significance for Charcot-Marie-Tooth disease type 2. Last evaluated: 2021-10-08. Review status: criteria provided, single submitter. Criteria: Invitae Variant Classification Sherloc (09022015). Collection method: clinical testing. Allele origin: germline.
Comment: This sequence change replaces arginine with histidine at codon 450 of the KIF1B protein (p.Arg450His). The arginine residue is highly conserved and there is a small physicochemical difference between arginine and histidine. This variant is not present in population databases (ExAC no frequency). This variant has not been reported in the literature in individuals affected with KIF1B-related conditions. Algorithms developed to predict the effect of missense changes on protein structure and function are either unavailable or do not agree on the potential impact of this missense change (SIFT: "Tolerated"; PolyPhen-2: "Probably Damaging"; Align-GVGD: "Class C0"). In summary, the available evidence is currently insufficient to determine the role of this variant in disease. Therefore, it has been classified as a Variant of Uncertain Significance.

NM_001365951.3(KIF1B):c.1487G>A (p.Arg496His)

Gene: KIF1B (kinesin family member 1B; plus strand). Cytogenetic location: 1p36.22.
Variant type: single nucleotide variant.
Coding change: c.1487G>A on transcript NM_001365951.3 (MANE Select); coding-DNA position 1487, G replaced by A.
Protein change: p.Arg496His; replaces arginine 496 with histidine.
Molecular consequence: missense variant.
Genome position (GRCh38, 1-based): chr1:10,291,134, G>A. VCF-style: chr1-10291134-G-A. GRCh37 (hg19) VCF-style: chr1-10351192-G-A.
Other names: c.1487G>A, p.Arg496His (NM_001365952.1); c.1349G>A, p.Arg450His (NM_001365953.1, NM_015074.3, NM_183416.4); short protein forms R496H, R450H.
Identifiers: ClinVar variation 1488132 (VCV001488132.32), dbSNP rs1418377932, ClinGen allele CA338313081.
Genomic context (GRCh38, chr1:10,291,134, plus strand): 5'-TTCCTTAGGAATCAGAGAAGATCATTGCTGAGTTGAATGAAACTTGGGAAGAGAAGCTTC[G>A]TAAAACAGAGGCCATCAGAATGGAGAGGTCAGGAGGTTAAAATCTGGAAATGTTTCTAAG-3'
Protein context (NP_001352880.1, residues 486-506): ELNETWEEKL[Arg496His]KTEAIRMERE